The following is an entry in ClinVar:

ClinVar aggregate classification (germline): Uncertain significance (1 of 4 stars; one submission).

gnomAD v4.1: 5 of 1,614,052 alleles (0.00031%); highest among the groups gnomAD compares: Non-Finnish European, 0.00025%; no homozygotes.

Submission:

GeneDx
Classification: Uncertain significance. Last evaluated: 2025-07-07. Review status: criteria provided, single submitter. Criteria: GeneDx Variant Classification Process June 2021. Collection method: clinical testing. Allele origin: germline. Affected: yes.
Comment: Not observed at significant frequency in large population cohorts (gnomAD); In silico analysis supports that this missense variant has a deleterious effect on protein structure/function; Has not been previously published as pathogenic or benign to our knowledge; Does not affect a cysteine or calcium-binding residue within an EGF-like domain or a TGF-binding protein domain of the FBN1 gene; cysteine substitutions in the EGF-like domains represent the majority of pathogenic missense changes associated with FBN1-related disorders (PMID: 12938084); This variant is associated with the following publications: (PMID: 12938084)

NM_000138.5(FBN1):c.499G>A (p.Ala167Thr)

Gene: FBN1 (fibrillin 1; minus strand). Cytogenetic location: 15q21.1.
Variant type: single nucleotide variant.
Coding change: c.499G>A on transcript NM_000138.5 (MANE Select); coding-DNA position 499, G replaced by A.
Protein change: p.Ala167Thr; replaces alanine 167 with threonine.
Molecular consequence: missense variant.
Genome position (GRCh38, 1-based): chr15:48,596,322, C>T on the plus strand (G>A on the coding strand, the complement: FBN1 is on the minus strand). VCF-style: chr15-48596322-C-T. GRCh37 (hg19) VCF-style: chr15-48888519-C-T.
Other names: c.499G>A, p.Ala167Thr (NM_001406716.1, NM_001406717.1); short protein forms A167T.
Identifiers: ClinVar variation 4685103 (VCV004685103.1).